The following is an entry in ClinVar:

NM_001692.4(ATP6V1B1):c.497C>T (p.Thr166Met)

Gene: ATP6V1B1 (ATPase H+ transporting V1 subunit B1; plus strand). Cytogenetic location: 2p13.3.
Variant type: single nucleotide variant.
Coding change: c.497C>T on transcript NM_001692.4 (MANE Select); coding-DNA position 497, C replaced by T.
Protein change: p.Thr166Met; replaces threonine 166 with methionine.
Molecular consequence: missense variant.
Genome position (GRCh38, 1-based): chr2:70,959,990, C>T. VCF-style: chr2-70959990-C-T. GRCh37 (hg19) VCF-style: chr2-71187120-C-T.
Other names: short protein forms T166M.
Identifiers: ClinVar variation 2202512 (VCV002202512.1), dbSNP rs782187484, ClinGen allele CA1701071.

ClinVar aggregate classification (germline): Uncertain significance (1 of 4 stars; one submission).

Allele frequency attached by ClinVar (database versions not stated): TOPMed 0.00001; gnomAD exomes 0.00002; ExAC 0.00003.
gnomAD v4.1: 22 of 1,614,180 alleles (0.0014%); highest among the groups gnomAD compares: South Asian, 0.0077%; no homozygotes.

Submission:

Labcorp Genetics (formerly Invitae), Labcorp
Classification: Uncertain significance. Last evaluated: 2022-07-06. Review status: criteria provided, single submitter. Criteria: Invitae Variant Classification Sherloc (09022015). Collection method: clinical testing. Allele origin: germline.
Comment: This sequence change replaces threonine, which is neutral and polar, with methionine, which is neutral and non-polar, at codon 166 of the ATP6V1B1 protein (p.Thr166Met). This variant is present in population databases (rs782187484, gnomAD 0.01%). This variant has not been reported in the literature in individuals affected with ATP6V1B1-related conditions. Algorithms developed to predict the effect of missense changes on protein structure and function are either unavailable or do not agree on the potential impact of this missense change (SIFT: "Deleterious"; PolyPhen-2: "Probably Damaging"; Align-GVGD: "Class C0"). In summary, the available evidence is currently insufficient to determine the role of this variant in disease. Therefore, it has been classified as a Variant of Uncertain Significance.